The following is an entry in ClinVar:

NM_002691.4(POLD1):c.2600T>G (p.Val867Gly)

Gene: POLD1 (DNA polymerase delta 1, catalytic subunit; plus strand). Cytogenetic location: 19q13.33.
Variant type: single nucleotide variant.
Coding change: c.2600T>G on transcript NM_002691.4 (MANE Select); coding-DNA position 2600, T replaced by G.
Protein change: p.Val867Gly; replaces valine 867 with glycine.
Molecular consequence: missense variant. On other transcripts: non-coding transcript variant (1).
Genome position (GRCh38, 1-based): chr19:50,415,473, T>G. VCF-style: chr19-50415473-T-G. GRCh37 (hg19) VCF-style: chr19-50918730-T-G.
Other names: c.2600T>G, p.Val867Gly (NM_001256849.1, NM_001438212.1, NM_001438213.1); c.2678T>G, p.Val893Gly (NM_001308632.1); c.2528T>G, p.Val843Gly (NM_001438210.1, NM_001438211.1); short protein forms V843G, V867G, V893G.
Identifiers: ClinVar variation 4862201 (VCV004862201.1).

ClinVar aggregate classification (germline): Uncertain significance (1 of 4 stars; one submission).

Conditions:
Hereditary cancer-predisposing syndrome. Also called: Neoplastic Syndromes, Hereditary; Tumor predisposition; Hereditary Cancer Syndrome; Hereditary neoplastic syndrome. Identifiers: Orphanet 140162, MedGen C0027672, MeSH D009386, MONDO:0015356.

Submission:

Ambry Genetics
Classification: Uncertain significance for Hereditary cancer-predisposing syndrome. Last evaluated: 2026-05-26. Review status: criteria provided, single submitter. Criteria: Ambry Variant Classification Scheme 2023. Collection method: clinical testing. Allele origin: germline.
Comment: The p.V867G variant (also known as c.2600T>G), located in coding exon 20 of the POLD1 gene, results from a T to G substitution at nucleotide position 2600. The valine at codon 867 is replaced by glycine, an amino acid with dissimilar properties. This amino acid position is highly conserved in available vertebrate species. In addition, the in silico prediction for this alteration is inconclusive. Based on the available evidence, the clinical significance of this variant remains unclear.